The following is an entry in ClinVar:

ClinVar aggregate classification (germline): Benign (1 of 4 stars; one submission).

Conditions:
Alzheimer disease. Also called: Presenile and senile dementia; Alzheimer's disease. Identifiers: Orphanet 1020, MedGen C0002395, MeSH D000544, MONDO:0004975, HP:0002511.

Allele frequency attached by ClinVar (database versions not stated): gnomAD 0.00033 and 0.00291; 1000 Genomes Project 0.00559.

Submission:

Illumina Laboratory Services, Illumina
Classification: Benign for Alzheimer disease type 1. Last evaluated: 2018-01-12. Review status: criteria provided, single submitter. Criteria: ICSL Variant Classification Criteria 13 December 2019. Collection method: clinical testing. Allele origin: germline.
Comment: This variant was observed in the ICSL laboratory as part of a predisposition screen in an ostensibly healthy population. It had not been previously curated by ICSL or reported in the Human Gene Mutation Database (HGMD: prior to June 1st, 2018), and was therefore a candidate for classification through an automated scoring system. Utilizing variant allele frequency, disease prevalence and penetrance estimates, and inheritance mode, an automated score was calculated to assess if this variant is too frequent to cause the disease. Based on the score and internal cut-off values, a variant classified as benign is not then subjected to further curation. The score for this variant resulted in a classification of benign for this disease.

NM_000484.4(APP):c.*724C>T

Gene: APP (amyloid beta precursor protein; minus strand). Cytogenetic location: 21q21.3.
Variant type: single nucleotide variant.
Coding change: c.*724C>T on transcript NM_000484.4 (MANE Select); 724 bases downstream of the stop codon, C replaced by T.
Molecular consequence: 3 prime UTR variant.
Genome position (GRCh38, 1-based): chr21:25,880,946, G>A on the plus strand (C>T on the coding strand, the complement: APP is on the minus strand). VCF-style: chr21-25880946-G-A. GRCh37 (hg19) VCF-style: chr21-27253257-G-A.
Other names: c.*724C>T (NM_001136016.3, NM_001136129.3, NM_001136130.3 and 7 more transcripts).
Identifiers: ClinVar variation 894858 (VCV000894858.4), dbSNP rs146774213, ClinGen allele CA319553049.